The following is an entry in ClinVar:

ClinVar aggregate classification (germline): Uncertain significance (1 of 4 stars; one submission).

Conditions:
Leukocyte adhesion deficiency 3. Also called: INTEGRIN ACTIVATION DEFICIENCY DISEASE; LEUKOCYTE ADHESION DEFICIENCY 1 VARIANT; Leukocyte adhesion deficiency, type III. Identifiers: Orphanet 2968, Orphanet 99844, MedGen C2748536, MONDO:0013016, OMIM 612840.

Submission:

Labcorp Genetics (formerly Invitae), Labcorp
Classification: Uncertain significance for Leukocyte adhesion deficiency 3. Last evaluated: 2021-04-11. Review status: criteria provided, single submitter. Criteria: Invitae Variant Classification Sherloc (09022015). Collection method: clinical testing. Allele origin: germline.
Comment: In summary, the available evidence is currently insufficient to determine the role of this variant in disease. Therefore, it has been classified as a Variant of Uncertain Significance. Algorithms developed to predict the effect of missense changes on protein structure and function are either unavailable or do not agree on the potential impact of this missense change (SIFT: "Deleterious"; PolyPhen-2: "Benign"; Align-GVGD: "Class C0"). This variant has not been reported in the literature in individuals with FERMT3-related conditions. This variant is not present in population databases (ExAC no frequency). This sequence change replaces serine with arginine at codon 255 of the FERMT3 protein (p.Ser255Arg). The serine residue is moderately conserved and there is a moderate physicochemical difference between serine and arginine.

NM_031471.6(FERMT3):c.765C>A (p.Ser255Arg)

Gene: FERMT3 (FERM domain containing kindlin 3; plus strand). Cytogenetic location: 11q13.1.
Variant type: single nucleotide variant.
Coding change: c.765C>A on transcript NM_031471.6 (MANE Select); coding-DNA position 765, C replaced by A.
Protein change: p.Ser255Arg; replaces serine 255 with arginine.
Molecular consequence: missense variant.
Genome position (GRCh38, 1-based): chr11:64,211,726, C>A. VCF-style: chr11-64211726-C-A. GRCh37 (hg19) VCF-style: chr11-63979198-C-A.
Other names: c.765C>A, p.Ser255Arg (NM_001382361.1, NM_001382362.1, NM_001382448.1 and 1 more transcripts); c.225C>A, p.Ser75Arg (NM_001382363.1, NM_001382364.1); short protein forms S255R, S75R.
Identifiers: ClinVar variation 1461351 (VCV001461351.8), dbSNP rs1359134455, ClinGen allele CA381083937.